The following is an entry in ClinVar:

ClinVar aggregate classification (germline): Pathogenic (1 of 4 stars; one submission).

Conditions:
MHC class II deficiency. Also called: Bare lymphocyte syndrome 2; BLS, TYPE II. Identifiers: Orphanet 572, MedGen C5447452, MONDO:0008855.

Submission:

Labcorp Genetics (formerly Invitae), Labcorp
Classification: Pathogenic for MHC class II deficiency. Last evaluated: 2022-08-22. Review status: criteria provided, single submitter. Criteria: Invitae Variant Classification Sherloc (09022015). Collection method: clinical testing. Allele origin: germline.
Comment: ClinVar contains an entry for this variant (Variation ID: 649396). This variant has not been reported in the literature in individuals affected with RFX5-related conditions. This variant is not present in population databases (gnomAD no frequency). This sequence change creates a premature translational stop signal (p.Ala204Argfs*4) in the RFX5 gene. It is expected to result in an absent or disrupted protein product. Loss-of-function variants in RFX5 are known to be pathogenic (PMID: 7744245, 9401005, 10079298). Algorithms developed to predict the effect of sequence changes on RNA splicing suggest that this variant may disrupt the consensus splice site. For these reasons, this variant has been classified as Pathogenic.

Literature cited by the submitters: PubMed 7744245; PubMed 9401005; PubMed 10079298.

NM_001025603.2(RFX5):c.609del (p.Ala204fs)

Gene: RFX5 (regulatory factor X5; minus strand). Cytogenetic location: 1q21.3.
Variant type: Deletion.
Coding change: c.609del on transcript NM_001025603.2 (MANE Select); coding-DNA position 609, one base deleted (A; older notation c.609delA).
Protein change: p.Ala204fs; shifts the reading frame from alanine 204.
Molecular consequence: frameshift variant.
Genome position (GRCh38, 1-based): chr1:151,343,829, T deleted on the plus strand (A on the coding strand, the reverse complement: RFX5 is on the minus strand). VCF-style (leftmost placement, unchanged base first): chr1-151343828-CT-C. GRCh37 (hg19) VCF-style: chr1-151316304-CT-C.
Other names: c.609delA (NM_000449.3); c.609del, p.Ala204fs (NM_000449.4, NM_001379412.1, NM_001379413.1 and 5 more transcripts); c.489del, p.Ala164fs (NM_001379419.1, NM_001379420.1); short protein forms A204fs, A164fs.
Identifiers: ClinVar variation 649396 (VCV000649396.6), dbSNP rs1571260017, ClinGen allele CA915941407.